The following is an entry in ClinVar:

NM_015080.4(NRXN2):c.3133A>G (p.Ser1045Gly)

Gene: NRXN2 (neurexin 2; minus strand). Cytogenetic location: 11q13.1.
Variant type: single nucleotide variant.
Coding change: c.3133A>G on transcript NM_015080.4 (MANE Select); coding-DNA position 3133, A replaced by G.
Protein change: p.Ser1045Gly; replaces serine 1045 with glycine.
Molecular consequence: missense variant.
Genome position (GRCh38, 1-based): chr11:64,648,884, T>C on the plus strand (A>G on the coding strand, the complement: NRXN2 is on the minus strand). VCF-style: chr11-64648884-T-C. GRCh37 (hg19) VCF-style: chr11-64416356-T-C.
Other names: c.3133A>G (NM_015080.3); c.3133A>G, p.Ser1045Gly (NM_001376262.1); c.3112A>G, p.Ser1038Gly (NM_001376263.1, NM_001376267.1); c.3088A>G, p.Ser1030Gly (NM_001376265.1); c.3109A>G, p.Ser1037Gly (NM_001376266.1); c.3013A>G, p.Ser1005Gly (NM_138732.3); short protein forms S1005G, S1045G, S1037G, S1030G, S1038G.
Identifiers: ClinVar variation 129834 (VCV000129834.17), dbSNP rs148473653, ClinGen allele CA154158.

ClinVar aggregate classification (germline): Likely benign. Review status: criteria provided, multiple submitters, no conflicts (2 of 4 stars). 5 submissions from 5 submitters: Likely benign (4). 1 of the submissions does not count toward it. Last evaluated 2026-09-01.

Conditions:
NRXN2-related disorder. Also called: NRXN2-related condition.

Allele frequency attached by ClinVar (database versions not stated): 1000 Genomes Project 0.00100; 1000 Genomes Project 30x 0.00109; gnomAD exomes 0.00184 and 0.00273; TOPMed 0.00188; gnomAD 0.00198 and 0.00207; ExAC 0.00210; ESP Exome Variant Server 0.00231.
gnomAD v4.1: 4,257 of 1,614,144 alleles (0.26%); highest among the groups gnomAD compares: Non-Finnish European, 0.33%; 13 homozygotes.

Submissions (5):

CeGaT Center for Human Genetics Tuebingen
Classification: Likely benign. Last evaluated: 2026-09-01. Review status: criteria provided, single submitter. Criteria: CeGaT Center For Human Genetics Tuebingen Variant Classification Criteria Version 2. Collection method: clinical testing. Allele origin: germline. Affected: yes. Observed: 4 variant alleles.
Comment: NRXN2: BS2

Labcorp Genetics (formerly Invitae), Labcorp
Classification: Likely benign. Last evaluated: 2019-12-31. Review status: criteria provided, single submitter. Criteria: Invitae Variant Classification Sherloc (09022015). Collection method: clinical testing. Allele origin: germline.

Genetic Services Laboratory, University of Chicago
Classification: Likely benign. Last evaluated: 2014-07-30. Review status: criteria provided, single submitter. Criteria: ACMG Guidelines, 2015. Collection method: clinical testing. Allele origin: germline.

Breakthrough Genomics
Classification: Likely benign. Review status: criteria provided, single submitter. Criteria: ACMG Guidelines, 2015. Collection method: not provided. Allele origin: germline. Inheritance: Unknown mechanism. Affected: yes.

PreventionGenetics, part of Exact Sciences
Classification: Likely benign for NRXN2-related condition. Last evaluated: 2022-11-13. Review status: no assertion criteria provided. Collection method: clinical testing. Allele origin: germline. Not counted in ClinVar's aggregate classification.
Comment: This variant is classified as likely benign based on ACMG/AMP sequence variant interpretation guidelines (Richards et al. 2015 PMID: 25741868, with internal and published modifications).